The following is an entry in ClinVar:

ClinVar aggregate classification (germline): Pathogenic (1 of 4 stars; one submission).

Conditions:
Glycogen storage disease, type II (IOPD). Also called: Glucosidase acid-1,4-alpha deficiency; Pompe Disease; POMPE DISEASE, INFANTILE-ONSET; GLYCOGEN STORAGE DISEASE II, INFANTILE-ONSET; ACID ALPHA-GLUCOSIDASE DEFICIENCY, INFANTILE-ONSET; GAA DEFICIENCY, INFANTILE-ONSET. Identifiers: Orphanet 365, MedGen C0017921, MONDO:0009290, OMIM 232300.

Submission:

Labcorp Genetics (formerly Invitae), Labcorp
Classification: Pathogenic for Glycogen storage disease, type II. Last evaluated: 2016-12-24. Review status: criteria provided, single submitter. Criteria: Invitae Variant Classification Sherloc (09022015). Collection method: clinical testing. Allele origin: germline.
Comment: This variant is a gross deletion of the genomic region encompassing exon 18 of the GAA gene. This leads to an in-frame deletion, preserving the integrity of the reading frame. Loss-of-function variants, including gross deletions, in GAA are known to be pathogenic. Deletion of exon 18 has been reported in the literature in multiple individuals affected with glycogen storage disease type II, also known as Pompe disease (PMID: 18607768, 8558570, 17723315, 15121988, 19588081, 25752415, 24844452). This deletion is also known as c.2481+102_2646+31del (p.Gly828_Asn882del) in the literature. For these reasons, this variant has been classified as Pathogenic.

NC_000017.11:g.(?_80118193)_(80118357_?)del

Gene: GAA (alpha glucosidase; plus strand). Cytogenetic location: 17q25.3.
Variant type: Deletion.
Identifiers: ClinVar variation 456368 (VCV000456368.1).